The following is an entry in ClinVar:

NM_001278116.2(L1CAM):c.3005G>A (p.Gly1002Asp)

Gene: L1CAM (L1 cell adhesion molecule; minus strand). Cytogenetic location: Xq28.
Variant type: single nucleotide variant.
Coding change: c.3005G>A on transcript NM_001278116.2 (MANE Select); coding-DNA position 3005, G replaced by A.
Protein change: p.Gly1002Asp; replaces glycine 1002 with aspartic acid.
Molecular consequence: missense variant.
Genome position (GRCh38, 1-based): chrX:153,864,862, C>T on the plus strand (G>A on the coding strand, the complement: L1CAM is on the minus strand). VCF-style: chrX-153864862-C-T. GRCh37 (hg19) VCF-style: chrX-153130317-C-T.
Other names: c.3005G>A, p.Gly1002Asp (NM_000425.5, NM_024003.3); c.2990G>A, p.Gly997Asp (NM_001143963.2); short protein forms G1002D, G997D.
Identifiers: ClinVar variation 4802213 (VCV004802213.1).

ClinVar aggregate classification (germline): Likely pathogenic (1 of 4 stars; one submission).

Conditions:
Spastic paraplegia. Identifiers: MedGen C0037772, HP:0001258.

Submission:

Labcorp Genetics (formerly Invitae), Labcorp
Classification: Likely pathogenic for Spastic paraplegia. Last evaluated: 2026-01-27. Review status: criteria provided, single submitter. Criteria: Invitae Variant Classification Sherloc (09022015). Collection method: clinical testing. Allele origin: germline.
Comment: This sequence change replaces glycine, which is neutral and non-polar, with aspartic acid, which is acidic and polar, at codon 1002 of the L1CAM protein (p.Gly1002Asp). This variant is not present in population databases (gnomAD no frequency). This missense change has been observed in individual(s) with clinical features of L1CAM-related conditions (internal data). In at least one individual the variant was observed to be de novo. Invitae Evidence Modeling of protein sequence and biophysical properties (such as structural, functional, and spatial information, amino acid conservation, physicochemical variation, residue mobility, and thermodynamic stability) has been performed for this missense variant. However, the output from this modeling did not meet the statistical confidence thresholds required to predict the impact of this variant on L1CAM protein function. In summary, the currently available evidence indicates that the variant is pathogenic, but additional data are needed to prove that conclusively. Therefore, this variant has been classified as Likely Pathogenic.